The following is an entry in ClinVar:

ClinVar aggregate classification (germline): Benign/Likely benign. Review status: criteria provided, multiple submitters, no conflicts (2 of 4 stars). 3 submissions from 3 submitters: Benign (2); Likely benign (1). Last evaluated 2022-09-01.

Allele frequency attached by ClinVar (database versions not stated): gnomAD exomes 0.00308 and 0.00325; ExAC 0.00501; 1000 Genomes Project 0.00140; 1000 Genomes Project 30x 0.00156; gnomAD 0.00236 and 0.00253; TOPMed 0.00238; ESP Exome Variant Server 0.00284.
gnomAD v4.1: 5,113 of 1,606,798 alleles (0.32%); highest among the groups gnomAD compares: Middle Eastern, 0.83%; 20 homozygotes.

Submissions (26):

CeGaT Center for Human Genetics Tuebingen
Classification: Likely benign. Last evaluated: 2022-09-01. Review status: criteria provided, single submitter. Criteria: CeGaT Center For Human Genetics Tuebingen Variant Classification Criteria Version 2. Collection method: clinical testing. Allele origin: germline. Affected: yes. Observed: 1 variant allele.
Comment: TPCN1: BP4, BP7

Labcorp Genetics (formerly Invitae), Labcorp
Classification: Benign. Last evaluated: 2018-06-19. Review status: criteria provided, single submitter. Criteria: Invitae Variant Classification Sherloc (09022015). Collection method: clinical testing. Allele origin: germline.

Breakthrough Genomics
Classification: Benign. Review status: criteria provided, single submitter. Criteria: ACMG Guidelines, 2015. Collection method: not provided. Allele origin: germline. Inheritance: Unknown mechanism. Affected: yes.

Dr. Peter K. Rogan Lab, Western University
No classification provided (evidence only). Condition: Malignant tumor of urinary bladder. Review status: no classification provided. Collection method: in vitro. Allele origin: not applicable. Functional consequence: retained intron. Not counted in ClinVar's aggregate classification.

Dr. Peter K. Rogan Lab, Western University
No classification provided (evidence only). Condition: Clear cell carcinoma of kidney. Review status: no classification provided. Collection method: in vitro. Allele origin: not applicable. Functional consequence: retained intron. Not counted in ClinVar's aggregate classification.

Dr. Peter K. Rogan Lab, Western University
No classification provided (evidence only). Condition: Clear cell carcinoma of kidney. Review status: no classification provided. Collection method: in vitro. Allele origin: not applicable. Functional consequence: retained intron. Not counted in ClinVar's aggregate classification.

Dr. Peter K. Rogan Lab, Western University
No classification provided (evidence only). Condition: Familial cancer of breast. Review status: no classification provided. Collection method: in vitro. Allele origin: not applicable. Functional consequence: retained intron. Not counted in ClinVar's aggregate classification.

Dr. Peter K. Rogan Lab, Western University
No classification provided (evidence only). Condition: Familial cancer of breast. Review status: no classification provided. Collection method: in vitro. Allele origin: not applicable. Functional consequence: retained intron. Not counted in ClinVar's aggregate classification.

Dr. Peter K. Rogan Lab, Western University
No classification provided (evidence only). Condition: Acute myeloid leukemia. Review status: no classification provided. Collection method: in vitro. Allele origin: not applicable. Functional consequence: retained intron. Not counted in ClinVar's aggregate classification.

Dr. Peter K. Rogan Lab, Western University
No classification provided (evidence only). Condition: Colon adenocarcinoma. Review status: no classification provided. Collection method: in vitro. Allele origin: not applicable. Functional consequence: retained intron. Not counted in ClinVar's aggregate classification.

Dr. Peter K. Rogan Lab, Western University
No classification provided (evidence only). Condition: Colon adenocarcinoma. Review status: no classification provided. Collection method: in vitro. Allele origin: not applicable. Functional consequence: retained intron. Not counted in ClinVar's aggregate classification.

Dr. Peter K. Rogan Lab, Western University
No classification provided (evidence only). Condition: Thyroid cancer, nonmedullary, 1. Review status: no classification provided. Collection method: in vitro. Allele origin: not applicable. Functional consequence: retained intron. Not counted in ClinVar's aggregate classification.

Dr. Peter K. Rogan Lab, Western University
No classification provided (evidence only). Condition: Sarcoma. Review status: no classification provided. Collection method: in vitro. Allele origin: not applicable. Functional consequence: retained intron. Not counted in ClinVar's aggregate classification.

Dr. Peter K. Rogan Lab, Western University
No classification provided (evidence only). Condition: Nonpapillary renal cell carcinoma. Review status: no classification provided. Collection method: in vitro. Allele origin: not applicable. Functional consequence: retained intron. Not counted in ClinVar's aggregate classification.

Dr. Peter K. Rogan Lab, Western University
No classification provided (evidence only). Condition: Cholangiocarcinoma. Review status: no classification provided. Collection method: in vitro. Allele origin: not applicable. Functional consequence: retained intron. Not counted in ClinVar's aggregate classification.

Dr. Peter K. Rogan Lab, Western University
No classification provided (evidence only). Condition: Ovarian serous cystadenocarcinoma. Review status: no classification provided. Collection method: in vitro. Allele origin: not applicable. Functional consequence: retained intron. Not counted in ClinVar's aggregate classification.

Dr. Peter K. Rogan Lab, Western University
No classification provided (evidence only). Condition: Ovarian serous cystadenocarcinoma. Review status: no classification provided. Collection method: in vitro. Allele origin: not applicable. Functional consequence: retained intron. Not counted in ClinVar's aggregate classification.

Dr. Peter K. Rogan Lab, Western University
No classification provided (evidence only). Condition: Ovarian serous cystadenocarcinoma. Review status: no classification provided. Collection method: in vitro. Allele origin: not applicable. Functional consequence: retained intron. Not counted in ClinVar's aggregate classification.

Dr. Peter K. Rogan Lab, Western University
No classification provided (evidence only). Condition: Ovarian serous cystadenocarcinoma. Review status: no classification provided. Collection method: in vitro. Allele origin: not applicable. Functional consequence: retained intron. Not counted in ClinVar's aggregate classification.

Dr. Peter K. Rogan Lab, Western University
No classification provided (evidence only). Condition: Ovarian serous cystadenocarcinoma. Review status: no classification provided. Collection method: in vitro. Allele origin: not applicable. Functional consequence: retained intron. Not counted in ClinVar's aggregate classification.

Dr. Peter K. Rogan Lab, Western University
No classification provided (evidence only). Condition: Ovarian serous cystadenocarcinoma. Review status: no classification provided. Collection method: in vitro. Allele origin: not applicable. Functional consequence: retained intron. Not counted in ClinVar's aggregate classification.

Dr. Peter K. Rogan Lab, Western University
No classification provided (evidence only). Condition: Ovarian serous cystadenocarcinoma. Review status: no classification provided. Collection method: in vitro. Allele origin: not applicable. Functional consequence: retained intron. Not counted in ClinVar's aggregate classification.

Dr. Peter K. Rogan Lab, Western University
No classification provided (evidence only). Condition: Ovarian serous cystadenocarcinoma. Review status: no classification provided. Collection method: in vitro. Allele origin: not applicable. Functional consequence: retained intron. Not counted in ClinVar's aggregate classification.

Dr. Peter K. Rogan Lab, Western University
No classification provided (evidence only). Condition: Gastric cancer. Review status: no classification provided. Collection method: in vitro. Allele origin: not applicable. Functional consequence: retained intron. Not counted in ClinVar's aggregate classification.

Dr. Peter K. Rogan Lab, Western University
No classification provided (evidence only). Condition: Gastric cancer. Review status: no classification provided. Collection method: in vitro. Allele origin: not applicable. Functional consequence: retained intron. Not counted in ClinVar's aggregate classification.

Dr. Peter K. Rogan Lab, Western University
No classification provided (evidence only). Condition: Malignant tumor of esophagus. Review status: no classification provided. Collection method: in vitro. Allele origin: not applicable. Functional consequence: retained intron. Not counted in ClinVar's aggregate classification.

NM_017901.6(TPCN1):c.1869C>T (p.Gly623=)

Gene: TPCN1 (two pore segment channel 1; plus strand). Cytogenetic location: 12q24.13.
Variant type: single nucleotide variant.
Coding change: c.1869C>T on transcript NM_017901.6 (MANE Select); coding-DNA position 1869, C replaced by T.
Protein change: p.Gly623=; no amino-acid change (glycine 623 retained).
Molecular consequence: synonymous variant.
Genome position (GRCh38, 1-based): chr12:113,290,200, C>T. VCF-style: chr12-113290200-C-T. GRCh37 (hg19) VCF-style: chr12-113728005-C-T.
Other names: NC_000012.11:g.113728005C>T; c.2085C>T, p.Gly695= (NM_001143819.3); c.1665C>T, p.Gly555= (NM_001301214.2, NM_001351346.2, NM_001351347.1).
Identifiers: ClinVar variation 769392 (VCV000769392.29), dbSNP rs146118100, ClinGen allele CA6805577.